The following is an entry in ClinVar:

NM_173630.4(RTTN):c.525T>G (p.Phe175Leu)

Gene: RTTN (rotatin; minus strand). Cytogenetic location: 18q22.2.
Variant type: single nucleotide variant.
Coding change: c.525T>G on transcript NM_173630.4 (MANE Select); coding-DNA position 525, T replaced by G.
Protein change: p.Phe175Leu; replaces phenylalanine 175 with leucine.
Molecular consequence: missense variant. On other transcripts: 5 prime UTR variant (1).
Genome position (GRCh38, 1-based): chr18:70,199,467, A>C on the plus strand (T>G on the coding strand, the complement: RTTN is on the minus strand). VCF-style: chr18-70199467-A-C. GRCh37 (hg19) VCF-style: chr18-67866703-A-C.
Other names: c.-2029T>G (NM_001318520.2); short protein forms F175L.
Identifiers: ClinVar variation 2636994 (VCV002636994.1), dbSNP rs1320867573, ClinGen allele CA402700425.

ClinVar aggregate classification (germline): Uncertain significance (1 of 4 stars; one submission).

Conditions:
RTTN-related disorder. Also called: RTTN-related condition.

Allele frequency attached by ClinVar (database versions not stated): gnomAD exomes below 0.00001; gnomAD 0.00001.
gnomAD v4.1: 3 of 1,613,122 alleles (0.00019%); highest among the groups gnomAD compares: African/African-American, 0.004%; no homozygotes.

Submission:

PreventionGenetics, part of Exact Sciences
Classification: Uncertain significance for RTTN-related condition. Last evaluated: 2022-10-19. Review status: criteria provided, single submitter. Criteria: ACMG Guidelines, 2015. Collection method: clinical testing. Allele origin: germline.
Comment: The RTTN c.525T>G variant is predicted to result in the amino acid substitution p.Phe175Leu. To our knowledge, this variant has not been reported in the literature. This variant is reported in 0.012% of alleles in individuals of African descent in gnomAD. At this time, the clinical significance of this variant is uncertain due to the absence of conclusive functional and genetic evidence.